The following is an entry in ClinVar:

NM_002430.3(MN1):c.760G>A (p.Gly254Arg)

Gene: MN1 (MN1 proto-oncogene, transcriptional regulator; minus strand). Cytogenetic location: 22q12.1.
Variant type: single nucleotide variant.
Coding change: c.760G>A on transcript NM_002430.3 (MANE Select); coding-DNA position 760, G replaced by A.
Protein change: p.Gly254Arg; replaces glycine 254 with arginine.
Molecular consequence: missense variant.
Genome position (GRCh38, 1-based): chr22:27,799,784, C>T on the plus strand (G>A on the coding strand, the complement: MN1 is on the minus strand). VCF-style: chr22-27799784-C-T. GRCh37 (hg19) VCF-style: chr22-28195772-C-T.
Other names: short protein forms G254R.
Identifiers: ClinVar variation 3360171 (VCV003360171.2).

ClinVar aggregate classification (germline): Uncertain significance (1 of 4 stars; one submission).

Submission:

GeneDx
Classification: Uncertain significance. Last evaluated: 2026-04-17. Review status: criteria provided, single submitter. Criteria: GeneDx Variant Classification Process June 2021. Collection method: clinical testing. Allele origin: germline.
Comment: Not observed at significant frequency in large population cohorts (gnomAD); In silico analysis supports that this missense variant has a deleterious effect on protein structure/function; Has not been previously published as pathogenic or benign to our knowledge